The following is an entry in ClinVar:

NM_001166114.2(PNPLA6):c.3093+19G>T

Gene: PNPLA6 (patatin like domain 6, lysophospholipase; plus strand). Cytogenetic location: 19p13.2.
Variant type: single nucleotide variant.
Coding change: c.3093+19G>T on transcript NM_001166114.2 (MANE Select); 19 bases into the intron after coding-DNA position 3093, G replaced by T.
Molecular consequence: intron variant.
Genome position (GRCh38, 1-based): chr19:7,555,782, G>T. VCF-style: chr19-7555782-G-T. GRCh37 (hg19) VCF-style: chr19-7620668-G-T.
Other names: c.2979+19G>T (NM_006702.5, NM_001166113.1); c.2898+19G>T (NM_001166112.2); c.3123+19G>T (NM_001166111.2).
Identifiers: ClinVar variation 2082567 (VCV002082567.2), dbSNP rs768145824, ClinGen allele CA9140317.

ClinVar aggregate classification (germline): Uncertain significance (1 of 4 stars; one submission).

Conditions:
Hereditary spastic paraplegia 39 (SPG39). Also called: Spastic Paraplegia Type 39 (SPG39); SPASTIC PARAPLEGIA 39, AUTOSOMAL RECESSIVE. Identifiers: Orphanet 139480, MedGen C2677586, MONDO:0012787, OMIM 612020.

Allele frequency attached by ClinVar (database versions not stated): ExAC 0.00001; gnomAD 0.00001; gnomAD exomes 0.00001; TOPMed 0.00001.

Submissions (2):

Labcorp Genetics (formerly Invitae), Labcorp
Classification: Uncertain significance for Hereditary spastic paraplegia 39. Last evaluated: 2021-12-17. Review status: criteria provided, single submitter. Criteria: Invitae Variant Classification Sherloc (09022015). Collection method: clinical testing. Allele origin: germline.
Comment: This sequence change falls in intron 27 of the PNPLA6 gene. It does not directly change the encoded amino acid sequence of the PNPLA6 protein. This variant is present in population databases (rs768145824, gnomAD 0.002%). This variant has not been reported in the literature in individuals affected with PNPLA6-related conditions. Algorithms developed to predict the effect of sequence changes on RNA splicing suggest that this variant may create or strengthen a splice site. In summary, the available evidence is currently insufficient to determine the role of this variant in disease. Therefore, it has been classified as a Variant of Uncertain Significance.

Dr. Peter K. Rogan Lab, Western University
No classification provided (evidence only). Condition: Lung cancer. Review status: no classification provided. Collection method: in vitro. Allele origin: not applicable. Functional consequence: retained intron. Not counted in ClinVar's aggregate classification.